The following is an entry in ClinVar:

NM_024675.4(PALB2):c.1852G>A (p.Asp618Asn)

Gene: PALB2 (partner and localizer of BRCA2; minus strand). Cytogenetic location: 16p12.2.
Variant type: single nucleotide variant.
Coding change: c.1852G>A on transcript NM_024675.4 (MANE Select); coding-DNA position 1852, G replaced by A.
Protein change: p.Asp618Asn; replaces aspartic acid 618 with asparagine.
Molecular consequence: missense variant.
Genome position (GRCh38, 1-based): chr16:23,630,302, C>T on the plus strand (G>A on the coding strand, the complement: PALB2 is on the minus strand). VCF-style: chr16-23630302-C-T. GRCh37 (hg19) VCF-style: chr16-23641623-C-T.
Other names: short protein forms D618N.
Identifiers: ClinVar variation 186906 (VCV000186906.16), dbSNP rs754252373, ClinGen allele CA196202.

ClinVar aggregate classification (germline): Uncertain significance. Review status: criteria provided, multiple submitters, no conflicts (2 of 4 stars). 2 submissions from 2 submitters: Uncertain significance (2). Last evaluated 2020-04-08.

Conditions:
Hereditary cancer-predisposing syndrome. Also called: Neoplastic Syndromes, Hereditary; Tumor predisposition; Hereditary Cancer Syndrome; Hereditary neoplastic syndrome. Identifiers: Orphanet 140162, MedGen C0027672, MeSH D009386, MONDO:0015356.
Familial cancer of breast. Also called: BREAST CANCER, FAMILIAL; Hereditary breast cancer; hereditary breast carcinoma. Identifiers: Orphanet 227535, MedGen C0346153, MONDO:0016419, OMIM 114480. Disease mechanism: loss of function.

Allele frequency attached by ClinVar (database versions not stated): gnomAD exomes below 0.00001; ExAC 0.00001.
gnomAD v4.1: 2 of 1,614,162 alleles (0.00012%); highest among the groups gnomAD compares: South Asian, 0.0022%; no homozygotes.

Submissions (2):

Labcorp Genetics (formerly Invitae), Labcorp
Classification: Uncertain significance for Familial cancer of breast. Last evaluated: 2020-04-08. Review status: criteria provided, single submitter. Criteria: Invitae Variant Classification Sherloc (09022015). Collection method: clinical testing. Allele origin: germline.
Comment: This sequence change replaces aspartic acid with asparagine at codon 618 of the PALB2 protein (p.Asp618Asn). The aspartic acid residue is moderately conserved and there is a small physicochemical difference between aspartic acid and asparagine. In summary, the available evidence is currently insufficient to determine the role of this variant in disease. Therefore, it has been classified as a Variant of Uncertain Significance. Algorithms developed to predict the effect of missense changes on protein structure and function are either unavailable or do not agree on the potential impact of this missense change (SIFT: "Deleterious"; PolyPhen-2: "Possibly Damaging"; Align-GVGD: "Class C0"). This variant has not been reported in the literature in individuals with PALB2-related conditions. ClinVar contains an entry for this variant (Variation ID: 186906). This variant is present in population databases (rs754252373, ExAC 0.006%).

Ambry Genetics
Classification: Uncertain significance for Hereditary cancer-predisposing syndrome. Last evaluated: 2014-11-10. Review status: criteria provided, single submitter. Criteria: Ambry Variant Classification Scheme 2023. Collection method: clinical testing. Allele origin: germline.
Comment: The p.D618N variant (also known as c.1852G>A), located in coding exon 5 of the PALB2 gene, results from a G to A substitution at nucleotide position 1852. The aspartic acid at codon 618 is replaced by asparagine, an amino acid with highly similar properties. This variant was not reported in population based cohorts in the following databases: Database of Single Nucleotide Polymorphisms (dbSNP), NHLBI Exome Sequencing Project (ESP), and 1000 Genomes Project. In the ESP, this variant was not observed in 6497 samples (12994 alleles) with coverage at this position. To date, this alteration has been detected with an allele frequency of approximately 0.004% (greater than 23000 alleles tested) in our clinical cohort. This amino acid position is well conserved in available vertebrate species. In addition, this alteration is predicted to be possibly damaging and deleterious by PolyPhen and SIFT in silico analyses, respectively. Since supporting evidence is limited at this time, the clinical significance of p.D618N remains unclear.